The following is an entry in ClinVar:

ClinVar aggregate classification (germline): Likely pathogenic (1 of 4 stars; one submission).

Submission:

Labcorp Genetics (formerly Invitae), Labcorp
Classification: Likely pathogenic. Last evaluated: 2023-10-03. Review status: criteria provided, single submitter. Criteria: Invitae Variant Classification Sherloc (09022015). Collection method: clinical testing. Allele origin: germline.
Comment: This sequence change replaces glycine, which is neutral and non-polar, with aspartic acid, which is acidic and polar, at codon 368 of the COL4A1 protein (p.Gly368Asp). This variant is not present in population databases (gnomAD no frequency). This variant has not been reported in the literature in individuals affected with COL4A1-related conditions. ClinVar contains an entry for this variant (Variation ID: 2074239). Advanced modeling of protein sequence and biophysical properties (such as structural, functional, and spatial information, amino acid conservation, physicochemical variation, residue mobility, and thermodynamic stability) performed at Invitae indicates that this missense variant is expected to disrupt COL4A1 protein function. This variant disrupts the triple helix domain of COL4A1. Glycine residues within the Gly-Xaa-Yaa repeats of the triple helix domain are required for the structure and stability of fibrillar collagens (PMID: 7695699, 8218237, 19344236). In COL4A1 variants affecting these glycine residues are significantly enriched in individuals with disease (PMID: 9016532, 17078022) compared to the general population (ExAC). In summary, the currently available evidence indicates that the variant is pathogenic, but additional data are needed to prove that conclusively. Therefore, this variant has been classified as Likely Pathogenic.

Literature cited by the submitters: PubMed 7695699; PubMed 8218237; PubMed 19344236; PubMed 9016532; PubMed 17078022.

NM_001845.6(COL4A1):c.1103G>A (p.Gly368Asp)

Gene: COL4A1 (collagen type IV alpha 1 chain; minus strand). Cytogenetic location: 13q34.
Variant type: single nucleotide variant.
Coding change: c.1103G>A on transcript NM_001845.6 (MANE Select); coding-DNA position 1103, G replaced by A.
Protein change: p.Gly368Asp; replaces glycine 368 with aspartic acid.
Molecular consequence: missense variant.
Genome position (GRCh38, 1-based): chr13:110,200,871, C>T on the plus strand (G>A on the coding strand, the complement: COL4A1 is on the minus strand). VCF-style: chr13-110200871-C-T. GRCh37 (hg19) VCF-style: chr13-110853218-C-T.
Other names: c.1103G>A, p.Gly368Asp (NM_001303110.2); short protein forms G368D.
Identifiers: ClinVar variation 2074239 (VCV002074239.4), dbSNP rs2501565019, ClinGen allele CA388724264.